The following is an entry in ClinVar:

NM_001164508.2(NEB):c.16521G>A (p.Lys5507=)

Gene: NEB (nebulin; minus strand). Cytogenetic location: 2q23.3.
Variant type: single nucleotide variant.
Coding change: c.16521G>A on transcript NM_001164508.2 (MANE Select); coding-DNA position 16521, G replaced by A.
Protein change: p.Lys5507=; no amino-acid change (lysine 5507 retained).
Molecular consequence: synonymous variant. On other transcripts: intron variant (1).
Genome position (GRCh38, 1-based): chr2:151,579,521, C>T on the plus strand (G>A on the coding strand, the complement: NEB is on the minus strand). VCF-style: chr2-151579521-C-T. GRCh37 (hg19) VCF-style: chr2-152436035-C-T.
Other names: c.16521G>A, p.Lys5507= (NM_001164507.2, NM_001271208.2); c.11602-3167G>A (NM_004543.5).
Identifiers: ClinVar variation 2651430 (VCV002651430.24), dbSNP rs1275190901, ClinGen allele CA429225321.
Genomic context (GRCh38, chr2:151,579,521, plus strand): 5'-AGCGCTGATGGACACCATGTCCACAGGGATGGAGATCTTGGCTTTGTGGTCGTTGTAGGC[C>T]TTTTTGTACAGCCTGTCATTCTGCATCTTCAACACATTTGCTGCCCAAACCAGTTTAGGG-3'
Protein context (NP_001157980.2, residues 5497-5517): LKMQNDRLYK[Lys5507=]AYNDHKAKIS

ClinVar aggregate classification (germline): Likely benign (1 of 4 stars; one submission).

Submission:

CeGaT Center for Human Genetics Tuebingen
Classification: Likely benign. Last evaluated: 2023-03-01. Review status: criteria provided, single submitter. Criteria: CeGaT Center For Human Genetics Tuebingen Variant Classification Criteria Version 2. Collection method: clinical testing. Allele origin: germline. Affected: yes. Observed: 1 variant allele.
Comment: NEB: BP4, BP7